The following is an entry in ClinVar:

NM_198253.2(TERT):c.(?_1574)_(1769_?)del

Gene: TERT (telomerase reverse transcriptase; minus strand). Cytogenetic location: 5p15.33.
Variant type: Deletion.
Coding change: c.(?_1574)_(1769_?)del on transcript NM_198253.2; a large deletion whose breakpoints are not mapped to the base.
Other names: c.(?_1574)_(1769_?)del (LRG_343t1).
Identifiers: ClinVar variation 506225 (VCV000506225.5).

ClinVar aggregate classification (germline): Likely pathogenic (1 of 4 stars; one submission).

Conditions:
Dyskeratosis congenita. Identifiers: Orphanet 1775, MedGen C0265965, MONDO:0015780.
Diffuse interstitial pulmonary fibrosis. Identifiers: MedGen C4721507.

Submission:

Laboratory for Molecular Medicine, Mass General Brigham Personalized Medicine
Classification: Likely pathogenic for Diffuse interstitial pulmonary fibrosis; Dyskeratosis congenita. Last evaluated: 2017-12-06. Review status: criteria provided, single submitter. Criteria: LMM Criteria. Collection method: clinical testing. Allele origin: germline. Inheritance: Autosomal dominant inheritance. Observed: 1 variant allele.
Comment: The TERT exon 3 deletion has not been previously reported in individuals with pu lmonary fibrosis. A deletion overlapping this region has been reported in 1 indi vidual in the database of genomic variation, though the phenotype status of this individual is unclear (DGV). Please note that for diseases with clinical variability or reduced penetrance, pathogen ic variants may be present at a low frequency in the general population. A delet ion of exon 3 of the TERT gene is expected to result in an out of frame or absen t protein. Loss-of-function of TERT is known to be associated with telomere shor tening syndromes, including pulmonary fibrosis, aplastic anemia, and dyskeratosi s congenita. In summary, although additional studies are required to fully estab lish its clinical significance, this variant is likely pathogenic.